The following is an entry in ClinVar:

ClinVar aggregate classification (germline): Uncertain significance (1 of 4 stars; one submission).

Submission:

GeneDx
Classification: Uncertain significance. Last evaluated: 2024-08-13. Review status: criteria provided, single submitter. Criteria: GeneDx Variant Classification Process June 2021. Collection method: clinical testing. Allele origin: germline. Affected: yes.
Comment: Not observed at significant frequency in large population cohorts (gnomAD); In silico analysis indicates that this variant does not alter splicing; Has not been previously published as pathogenic or benign to our knowledge

NM_001367721.1(CASK):c.356+5_356+13dup

Gene: CASK (calcium/calmodulin dependent serine protein kinase; minus strand). Cytogenetic location: Xp11.4.
Variant type: Duplication.
Coding change: c.356+5_356+13dup on transcript NM_001367721.1 (MANE Select); bases 5 to 13 of the intron after coding-DNA position 356, 9 bases duplicated (GTATTGTAT; older notation c.356+5_356+13dupGTATTGTAT).
Molecular consequence: splice donor variant.
Genome position (GRCh38, 1-based): chrX:41,745,511-41,745,519, ATACAATAC duplicated on the plus strand (GTATTGTAT on the coding strand, the reverse complement: CASK is on the minus strand); duplicating any 9 consecutive bases within chrX:41,745,511-41,745,523 gives the same sequence; the c. name uses the placement nearest the transcript's 3' end. VCF-style (leftmost placement, unchanged base first): chrX-41745510-T-TATACAATAC. GRCh37 (hg19) VCF-style: chrX-41604763-T-TATACAATAC.
Other names: c.356+5_356+13dup (NM_001126055.3, NM_001410745.1, NM_001126054.3 and 1 more transcripts).
Identifiers: ClinVar variation 3731192 (VCV003731192.1).